The following is an entry in ClinVar:

NM_004656.4(BAP1):c.619C>G (p.Arg207Gly)

Gene: BAP1 (BRCA1 associated deubiquitinase 1; minus strand). Cytogenetic location: 3p21.1.
Variant type: single nucleotide variant.
Coding change: c.619C>G on transcript NM_004656.4 (MANE Select); coding-DNA position 619, C replaced by G.
Protein change: p.Arg207Gly; replaces arginine 207 with glycine.
Molecular consequence: missense variant.
Genome position (GRCh38, 1-based): chr3:52,406,869, G>C on the plus strand (C>G on the coding strand, the complement: BAP1 is on the minus strand). VCF-style: chr3-52406869-G-C. GRCh37 (hg19) VCF-style: chr3-52440885-G-C.
Other names: c.619C>G, p.Arg207Gly (NM_001410772.1); short protein forms R207G.
Identifiers: ClinVar variation 2565181 (VCV002565181.5), dbSNP rs1323972421, ClinGen allele CA353108997.

ClinVar aggregate classification (germline): Uncertain significance. Review status: criteria provided, multiple submitters, no conflicts (2 of 4 stars). 2 submissions from 2 submitters: Uncertain significance (2). Last evaluated 2024-12-10.

Conditions:
BAP1-related tumor predisposition syndrome (TPDS1). Also called: COMMON Syndrome; TUMOR PREDISPOSITION SYNDROME 1; BAP1 tumor predisposition syndrome; Tumor susceptibility linked to germline BAP1 mutations. Identifiers: Orphanet 289539, MedGen C3280492, MONDO:0013692, OMIM 614327.
Hereditary cancer-predisposing syndrome. Also called: Neoplastic Syndromes, Hereditary; Hereditary Cancer Syndrome; Hereditary neoplastic syndrome; Tumor predisposition. Identifiers: Orphanet 140162, MedGen C0027672, MeSH D009386, MONDO:0015356.

Submissions (2):

Ambry Genetics
Classification: Uncertain significance for Hereditary cancer-predisposing syndrome. Last evaluated: 2024-12-10. Review status: criteria provided, single submitter. Criteria: Ambry Variant Classification Scheme 2023. Collection method: clinical testing. Allele origin: germline.
Comment: The p.R207G variant (also known as c.619C>G), located in coding exon 8 of the BAP1 gene, results from a C to G substitution at nucleotide position 619. The arginine at codon 207 is replaced by glycine, an amino acid with dissimilar properties. This alteration was non-functional in a high throughput genome editing haploid cell survival assay (Waters, AJ et al. Nat Genet 2024 Jul;56(7):1434-1445.) This amino acid position is conserved. In addition, the in silico prediction for this alteration is inconclusive. Since supporting evidence is limited at this time, the clinical significance of this alteration remains unclear.

Labcorp Genetics (formerly Invitae), Labcorp
Classification: Uncertain significance for BAP1-related tumor predisposition syndrome. Last evaluated: 2024-03-16. Review status: criteria provided, single submitter. Criteria: Invitae Variant Classification Sherloc (09022015). Collection method: clinical testing. Allele origin: germline.
Comment: This sequence change replaces arginine, which is basic and polar, with glycine, which is neutral and non-polar, at codon 207 of the BAP1 protein (p.Arg207Gly). This variant is not present in population databases (gnomAD no frequency). This variant has not been reported in the literature in individuals affected with BAP1-related conditions. ClinVar contains an entry for this variant (Variation ID: 2565181). Advanced modeling of protein sequence and biophysical properties (such as structural, functional, and spatial information, amino acid conservation, physicochemical variation, residue mobility, and thermodynamic stability) performed at Invitae indicates that this missense variant is expected to disrupt BAP1 protein function with a positive predictive value of 80%. In summary, the available evidence is currently insufficient to determine the role of this variant in disease. Therefore, it has been classified as a Variant of Uncertain Significance.

Literature cited by the submitters: PubMed 38969833 (cited by Ambry Genetics).